The following is an entry in ClinVar:

ClinVar aggregate classification (germline): Uncertain significance. Review status: criteria provided, multiple submitters, no conflicts (2 of 4 stars). 2 submissions from 2 submitters: Uncertain significance (2). Last evaluated 2024-04-05.

Conditions:
Dalmatian hypouricemia (RHUC1). Identifiers: MedGen C0473219, MONDO:0020728, OMIM 220150.

Allele frequency attached by ClinVar (database versions not stated): gnomAD 0.00001 and 0.00002; gnomAD exomes 0.00002; ExAC 0.00003; TOPMed 0.00003; 1000 Genomes Project 30x 0.00016; 1000 Genomes Project 0.00040.

Submissions (2):

Fulgent Genetics
Classification: Uncertain significance for Dalmatian hypouricemia. Last evaluated: 2024-04-05. Review status: criteria provided, single submitter. Criteria: ACMG Guidelines, 2015. Collection method: clinical testing. Allele origin: germline.

Labcorp Genetics (formerly Invitae), Labcorp
Classification: Uncertain significance. Last evaluated: 2022-08-16. Review status: criteria provided, single submitter. Criteria: Invitae Variant Classification Sherloc (09022015). Collection method: clinical testing. Allele origin: germline.
Comment: This sequence change replaces tryptophan, which is neutral and slightly polar, with glycine, which is neutral and non-polar, at codon 294 of the SLC22A12 protein (p.Trp294Gly). This variant is present in population databases (rs183246258, gnomAD 0.009%). This variant has not been reported in the literature in individuals affected with SLC22A12-related conditions. ClinVar contains an entry for this variant (Variation ID: 1400508). Algorithms developed to predict the effect of missense changes on protein structure and function (SIFT, PolyPhen-2, Align-GVGD) all suggest that this variant is likely to be tolerated. In summary, the available evidence is currently insufficient to determine the role of this variant in disease. Therefore, it has been classified as a Variant of Uncertain Significance.

NM_144585.4(SLC22A12):c.880T>G (p.Trp294Gly)

Gene: SLC22A12 (solute carrier family 22 member 12; plus strand). Cytogenetic location: 11q13.1.
Variant type: single nucleotide variant.
Coding change: c.880T>G on transcript NM_144585.4 (MANE Select); coding-DNA position 880, T replaced by G.
Protein change: p.Trp294Gly; replaces tryptophan 294 with glycine.
Molecular consequence: missense variant.
Genome position (GRCh38, 1-based): chr11:64,598,565, T>G. VCF-style: chr11-64598565-T-G. GRCh37 (hg19) VCF-style: chr11-64366037-T-G.
Other names: c.778T>G, p.Trp260Gly (NM_001276326.2); c.556T>G, p.Trp186Gly (NM_001276327.2); c.217T>G, p.Trp73Gly (NM_153378.3); short protein forms W260G, W73G, W186G, W294G.
Identifiers: ClinVar variation 1400508 (VCV001400508.6), dbSNP rs183246258, ClinGen allele CA6077220.
Genomic context (GRCh38, chr11:64,598,565, plus strand): 5'-CTCCACTTAAGGTGGCTGGCAGAGTCGGCACGATGGCTCCTCACCACAGGCAGGCTGGAT[T>G]GGGGCCTGCAGGAGCTGTGGAGGGTGGCTGCCATCAACGGAAAGGGGGCAGTGCAGGACA-3'
Protein context (NP_653186.2, residues 284-304): RWLLTTGRLD[Trp294Gly]GLQELWRVAA